The following is an entry in ClinVar:

NM_001142800.2(EYS):c.3946A>T (p.Ser1316Cys)

Gene: EYS (EGF-like photoreceptor maintenance factor; minus strand). Cytogenetic location: 6q12.
Variant type: single nucleotide variant.
Coding change: c.3946A>T on transcript NM_001142800.2 (MANE Select); coding-DNA position 3946, A replaced by T.
Protein change: p.Ser1316Cys; replaces serine 1316 with cysteine.
Molecular consequence: missense variant.
Genome position (GRCh38, 1-based): chr6:64,591,921, T>A on the plus strand (A>T on the coding strand, the complement: EYS is on the minus strand). VCF-style: chr6-64591921-T-A. GRCh37 (hg19) VCF-style: chr6-65301814-T-A.
Other names: c.3946A>T (NM_001142800.1); c.3946A>T, p.Ser1316Cys (NM_001292009.2); short protein forms S1316C.
Identifiers: ClinVar variation 1498763 (VCV001498763.7), dbSNP rs1766425225, ClinGen allele CA364784376.
Genomic context (GRCh38, chr6:64,591,921, plus strand): 5'-TTGCTGAAAGCTCTCTAGTGACAATCAGTTCTTGGAGTAAGTAGCTTTCCAAGGGTGTGC[T>A]AATTCTTAATGTTGCCAAACCAGTGGTTGGGAGAATGTCGTGCTTGACAATGCCTGTCTG-3'
Protein context (NP_001136272.1, residues 1306-1326): PTTGLATLRI[Ser1316Cys]TPLESYLLQE

ClinVar aggregate classification (germline): Uncertain significance. Review status: criteria provided, multiple submitters, no conflicts (2 of 4 stars). 2 submissions from 2 submitters: Uncertain significance (2). Last evaluated 2025-05-20.

Conditions:
Inborn genetic diseases. Identifiers: MedGen C0950123, MeSH D030342.

Allele frequency attached by ClinVar (database versions not stated): TOPMed below 0.00001.

Submissions (2):

Ambry Genetics
Classification: Uncertain significance for Inborn genetic diseases. Last evaluated: 2025-05-20. Review status: criteria provided, single submitter. Criteria: Ambry Variant Classification Scheme 2023. Collection method: clinical testing. Allele origin: germline.

Labcorp Genetics (formerly Invitae), Labcorp
Classification: Uncertain significance. Last evaluated: 2023-06-26. Review status: criteria provided, single submitter. Criteria: Invitae Variant Classification Sherloc (09022015). Collection method: clinical testing. Allele origin: germline.
Comment: This variant is not present in population databases (gnomAD no frequency). In summary, the available evidence is currently insufficient to determine the role of this variant in disease. Therefore, it has been classified as a Variant of Uncertain Significance. Advanced modeling of protein sequence and biophysical properties (such as structural, functional, and spatial information, amino acid conservation, physicochemical variation, residue mobility, and thermodynamic stability) has been performed at Invitae for this missense variant, however the output from this modeling did not meet the statistical confidence thresholds required to predict the impact of this variant on EYS protein function. ClinVar contains an entry for this variant (Variation ID: 1498763). This variant has not been reported in the literature in individuals affected with EYS-related conditions. This sequence change replaces serine, which is neutral and polar, with cysteine, which is neutral and slightly polar, at codon 1316 of the EYS protein (p.Ser1316Cys).